The following is an entry in ClinVar:

NM_001271.4(CHD2):c.3409C>T (p.Arg1137Ter)

Gene: CHD2 (chromodomain helicase DNA binding protein 2; plus strand). Cytogenetic location: 15q26.1.
Variant type: single nucleotide variant.
Coding change: c.3409C>T on transcript NM_001271.4 (MANE Select); coding-DNA position 3409, C replaced by T.
Protein change: p.Arg1137Ter; replaces arginine 1137 with a stop codon.
Molecular consequence: nonsense.
Genome position (GRCh38, 1-based): chr15:92,985,669, C>T. VCF-style: chr15-92985669-C-T. GRCh37 (hg19) VCF-style: chr15-93528899-C-T.
Other names: short protein forms R1137*.
Identifiers: ClinVar variation 541362 (VCV000541362.11), dbSNP rs773860345, ClinGen allele CA7748196.
Genomic context (GRCh38, chr15:92,985,669, plus strand): 5'-AGAGGGCGTCCGAGGAGTGTGCGGAAGGACCTCGTGGAGGGATTTACTGATGCAGAGATC[C>T]GAAGGTTGGTGGAGGCTCTGTTCTCACTGAGCTTGTTTGAAAGTGCGTACTGTAAGTCTT-3'

ClinVar aggregate classification (germline): Pathogenic/Likely pathogenic. Review status: criteria provided, multiple submitters, no conflicts (2 of 4 stars). 5 submissions from 5 submitters: Pathogenic (4); Likely pathogenic (1). Last evaluated 2026-08-12.

Conditions:
Developmental and epileptic encephalopathy 94 (DEE94). Also called: CHD2-Related Neurodevelopmental Disorders; Epileptic encephalopathy, childhood-onset. Identifiers: Orphanet 1942, Orphanet 2382, MedGen C3809278, MONDO:0014150, OMIM 615369.
CHD2-related neurodevelopmental disorder.
Epilepsy. Also called: Seizure disorder. Identifiers: MedGen C0014544, MeSH D004827, MONDO:0005027.

Allele frequency attached by ClinVar (database versions not stated): gnomAD exomes below 0.00001; ExAC 0.00001.
gnomAD v4.1: 1 of 1,609,598 alleles (0.000062%); no homozygotes.

Submissions (5):

Cytogénomique, Hospices Civils de Lyon
Classification: Pathogenic for Epilepsy. Last evaluated: 2026-08-12. Review status: criteria provided, single submitter. Criteria: ACMG Guidelines, 2015. Collection method: clinical testing. Allele origin: germline. Affected: yes.

Institute of Human Genetics, University of Leipzig Medical Center
Classification: Pathogenic for Developmental and epileptic encephalopathy 94. Last evaluated: 2026-08-05. Review status: criteria provided, single submitter. Criteria: ACMG Guidelines, 2015. Collection method: clinical testing. Allele origin: de novo. Inheritance: Autosomal dominant inheritance. Affected: yes.
Comment: Criteria applied: PVS1,PS2_MOD,PS4_SUP,PM2_SUP

Medical and Scientific Branch, Hong Kong Genome Institute
Classification: Likely pathogenic for Developmental and epileptic encephalopathy 94. Last evaluated: 2025-12-11. Review status: criteria provided, single submitter. Criteria: ACMG Guidelines, 2015. Collection method: clinical testing. Allele origin: germline. Affected: yes.

Labcorp Genetics (formerly Invitae), Labcorp
Classification: Pathogenic for Developmental and epileptic encephalopathy 94. Last evaluated: 2025-02-24. Review status: criteria provided, single submitter. Criteria: Invitae Variant Classification Sherloc (09022015). Collection method: clinical testing. Allele origin: germline.
Comment: This sequence change creates a premature translational stop signal (p.Arg1137*) in the CHD2 gene. It is expected to result in an absent or disrupted protein product. Loss-of-function variants in CHD2 are known to be pathogenic (PMID: 23708187, 24207121). This variant is present in population databases (rs773860345, gnomAD 0.005%). This variant has not been reported in the literature in individuals affected with CHD2-related conditions. ClinVar contains an entry for this variant (Variation ID: 541362). For these reasons, this variant has been classified as Pathogenic.

Clinical Genomics Laboratory, Stanford Medicine
Classification: Pathogenic for CHD2-related neurodevelopmental disorder. Last evaluated: 2022-02-23. Review status: criteria provided, single submitter. Criteria: ACMG Guidelines, 2015. Collection method: clinical testing. Allele origin: de novo. Inheritance: Autosomal dominant inheritance. Affected: yes. Observed: 1 variant allele, 1 heterozygote.
Comment: This variant has been identified in 1/246,470 chromosomes by the Genome Aggregation Database. The p.Arg1137* variant leads to a premature stop codon in exon 26 of 39 exons, and is therefore predicted to undergo nonsense-mediated decay resulting in a truncated or absent protein. Heterozygous loss of function is an established mechanism of disease for the CHD2 gene. These data were assessed using the ACMG/AMP variant interpretation guidelines. In summary, there is sufficient evidence to classify the p.Arg1137* variant as pathogenic for autosomal dominant CHD2-related neurodevelopmental disorder based on the information above. [ACMG evidence codes used: PVS1; PM2; PS2_Supporting]_x000D_

Literature cited by the submitters: PubMed 23708187 (cited by Labcorp Genetics (formerly Invitae), Labcorp); PubMed 24207121 (cited by Labcorp Genetics (formerly Invitae), Labcorp).